The following is an entry in ClinVar:

NM_000489.6(ATRX):c.4035G>A (p.Leu1345=)

Gene: ATRX (ATRX chromatin remodeler; minus strand). Cytogenetic location: Xq21.1.
Variant type: single nucleotide variant.
Coding change: c.4035G>A on transcript NM_000489.6 (MANE Select); coding-DNA position 4035, G replaced by A.
Protein change: p.Leu1345=; no amino-acid change (leucine 1345 retained).
Molecular consequence: synonymous variant.
Genome position (GRCh38, 1-based): chrX:77,663,467, C>T on the plus strand (G>A on the coding strand, the complement: ATRX is on the minus strand). VCF-style: chrX-77663467-C-T. GRCh37 (hg19) VCF-style: chrX-76918956-C-T.
Other names: c.3921G>A, p.Leu1307= (NM_138270.5); c.4035G>A (NM_000489.4).
Identifiers: ClinVar variation 434463 (VCV000434463.35), dbSNP rs111725949, ClinGen allele CA331568072.

ClinVar aggregate classification (germline): Conflicting classifications of pathogenicity. Review status: criteria provided, conflicting classifications (1 of 4 stars). 5 submissions from 5 submitters: Uncertain significance (1); Likely benign (3). 1 of the submissions does not count toward it. Last evaluated 2025-05-27.

Conditions:
Inborn genetic diseases. Identifiers: MedGen C0950123, MeSH D030342.
ATRX-related disorder. Also called: ATRX-related condition.
Alpha thalassemia-X-linked intellectual disability syndrome (ATRX). Also called: ALPHA-THALASSEMIA/MENTAL RETARDATION SYNDROME, X-LINKED; X-linked alpha-thalassemia-mental retardation syndrome; ATR-X syndrome; Alpha thalassemia mental retardation syndrome, nondeletion type, X-linked; XLMR hypotonic face syndrome; ATR, NONDELETION TYPE. Identifiers: Orphanet 847, MedGen C1845055, MONDO:0010519, OMIM 301040.

gnomAD v4.1: 10 of 1,209,525 alleles (0.00083%); highest among the groups gnomAD compares: Middle Eastern, 0.023%; no homozygotes.

Submissions (5):

Labcorp Genetics (formerly Invitae), Labcorp
Classification: Likely benign for Alpha thalassemia-X-linked intellectual disability syndrome. Last evaluated: 2025-05-27. Review status: criteria provided, single submitter. Criteria: Invitae Variant Classification Sherloc (09022015). Collection method: clinical testing. Allele origin: germline.

CeGaT Center for Human Genetics Tuebingen
Classification: Likely benign. Last evaluated: 2024-10-01. Review status: criteria provided, single submitter. Criteria: CeGaT Center For Human Genetics Tuebingen Variant Classification Criteria Version 2. Collection method: clinical testing. Allele origin: germline. Affected: yes. Observed: 1 variant allele.
Comment: ATRX: BP4, BP7, BS2

Genetic Services Laboratory, University of Chicago
Classification: Uncertain significance. Last evaluated: 2017-03-03. Review status: criteria provided, single submitter. Criteria: ACMG Guidelines, 2015. Collection method: clinical testing. Allele origin: germline. Affected: no.

Ambry Genetics
Classification: Likely benign for Inborn genetic diseases. Last evaluated: 2016-07-21. Review status: criteria provided, single submitter. Criteria: Ambry Variant Classification Scheme 2023. Collection method: clinical testing. Allele origin: germline.

PreventionGenetics, part of Exact Sciences
Classification: Likely benign for ATRX-related condition. Last evaluated: 2024-01-03. Review status: no assertion criteria provided. Collection method: clinical testing. Allele origin: germline. Not counted in ClinVar's aggregate classification.
Comment: This variant is classified as likely benign based on ACMG/AMP sequence variant interpretation guidelines (Richards et al. 2015 PMID: 25741868, with internal and published modifications).